The following is an entry in ClinVar:

ClinVar aggregate classification (germline): Likely benign. Review status: criteria provided, multiple submitters, no conflicts (2 of 4 stars). 4 submissions from 4 submitters: Likely benign (4). Last evaluated 2025-05-21.

Conditions:
Hereditary cancer-predisposing syndrome. Also called: Hereditary Cancer Syndrome; Neoplastic Syndromes, Hereditary; Tumor predisposition; Hereditary neoplastic syndrome. Identifiers: Orphanet 140162, MedGen C0027672, MeSH D009386, MONDO:0015356.
Tuberous sclerosis 2 (TSC2). Identifiers: Orphanet 805, MedGen C1860707, MONDO:0013199, OMIM 613254.

gnomAD v4.1: 6 of 1,613,970 alleles (0.00037%); highest among the groups gnomAD compares: Non-Finnish European, 0.00042%; no homozygotes.

Submissions (4):

Myriad Genetics, Inc.
Classification: Likely benign for Tuberous sclerosis 2. Last evaluated: 2025-05-21. Review status: criteria provided, single submitter. Criteria: Myriad Autosomal Dominant, Autosomal Recessive and X-Linked Classification Criteria (2023). Collection method: clinical testing. Allele origin: unknown.
Comment: This variant is considered likely benign. This variant is intronic and is not expected to impact mRNA splicing.

Labcorp Genetics (formerly Invitae), Labcorp
Classification: Likely benign for Tuberous sclerosis 2. Last evaluated: 2025-02-19. Review status: criteria provided, single submitter. Criteria: Invitae Variant Classification Sherloc (09022015). Collection method: clinical testing. Allele origin: germline.

Ambry Genetics
Classification: Likely benign for Hereditary cancer-predisposing syndrome. Last evaluated: 2025-01-10. Review status: criteria provided, single submitter. Criteria: Ambry Variant Classification Scheme 2023. Collection method: clinical testing. Allele origin: germline.

Genome-Nilou Lab
Classification: Likely benign for Tuberous sclerosis 2. Last evaluated: 2021-11-07. Review status: criteria provided, single submitter. Criteria: ACMG Guidelines, 2015. Collection method: clinical testing. Allele origin: germline. Affected: no.

NM_000548.5(TSC2):c.2640-5C>T

Gene: TSC2 (TSC complex subunit 2; plus strand). Cytogenetic location: 16p13.3.
Variant type: single nucleotide variant.
Coding change: c.2640-5C>T on transcript NM_000548.5 (MANE Select); 5 bases into the intron before coding-DNA position 2640, C replaced by T.
Molecular consequence: intron variant.
Genome position (GRCh38, 1-based): chr16:2,076,063, C>T. VCF-style: chr16-2076063-C-T. GRCh37 (hg19) VCF-style: chr16-2126064-C-T.
Other names: c.2640-5C>T (NM_001114382.3, NM_021055.3, NM_001370405.1 and 3 more transcripts); c.2529-5C>T (NM_001318827.2); c.2040-5C>T (NM_001318831.2); c.2493-5C>T (NM_001318829.2); c.2673-5C>T (NM_001318832.2).
Identifiers: ClinVar variation 232719 (VCV000232719.20), dbSNP rs753781434, ClinGen allele CA10579887.